The following is an entry in ClinVar:

NM_001166114.2(PNPLA6):c.202C>T (p.Leu68Phe)

Gene: PNPLA6 (patatin like domain 6, lysophospholipase; plus strand). Cytogenetic location: 19p13.2.
Variant type: single nucleotide variant.
Coding change: c.202C>T on transcript NM_001166114.2 (MANE Select); coding-DNA position 202, C replaced by T.
Protein change: p.Leu68Phe; replaces leucine 68 with phenylalanine.
Molecular consequence: missense variant.
Genome position (GRCh38, 1-based): chr19:7,535,990, C>T. VCF-style: chr19-7535990-C-T. GRCh37 (hg19) VCF-style: chr19-7600876-C-T.
Other names: c.229C>T, p.Leu77Phe (NM_001166111.2); c.85C>T, p.Leu29Phe (NM_001166112.2, NM_001166113.1, NM_006702.5); short protein forms L29F, L77F, L68F.
Identifiers: ClinVar variation 938224 (VCV000938224.9), dbSNP rs2022847854, ClinGen allele CA403096660.

ClinVar aggregate classification (germline): Uncertain significance (1 of 4 stars; one submission).

Conditions:
Hereditary spastic paraplegia 39 (SPG39). Also called: Spastic Paraplegia Type 39 (SPG39); SPASTIC PARAPLEGIA 39, AUTOSOMAL RECESSIVE. Identifiers: Orphanet 139480, MedGen C2677586, MONDO:0012787, OMIM 612020.

Submission:

Labcorp Genetics (formerly Invitae), Labcorp
Classification: Uncertain significance for Hereditary spastic paraplegia 39. Last evaluated: 2019-09-03. Review status: criteria provided, single submitter. Criteria: Invitae Variant Classification Sherloc (09022015). Collection method: clinical testing. Allele origin: germline.
Comment: This sequence change replaces leucine with phenylalanine at codon 29 of the PNPLA6 protein (p.Leu29Phe). The leucine residue is moderately conserved and there is a small physicochemical difference between leucine and phenylalanine. In summary, the available evidence is currently insufficient to determine the role of this variant in disease. Therefore, it has been classified as a Variant of Uncertain Significance. Algorithms developed to predict the effect of missense changes on protein structure and function are either unavailable or do not agree on the potential impact of this missense change (SIFT: "Tolerated"; PolyPhen-2: "Probably Damaging"; Align-GVGD: "Class C0"). This variant has not been reported in the literature in individuals with PNPLA6-related conditions. This variant is not present in population databases (ExAC no frequency).